The following is an entry in ClinVar:

NM_016026.4(RDH11):c.716T>G (p.Leu239Arg)

Genes: GPHN (gephyrin; plus strand), RDH11 (retinol dehydrogenase 11; minus strand). Cytogenetic location: 14q24.1.
Variant type: single nucleotide variant.
Coding change: c.716T>G on transcript NM_016026.4 (MANE Select); coding-DNA position 716, T replaced by G.
Protein change: p.Leu239Arg; replaces leucine 239 with arginine.
Molecular consequence: missense variant.
Genome position (GRCh38, 1-based): chr14:67,685,153, A>C on the plus strand (T>G on the coding strand, the complement: RDH11 is on the minus strand). VCF-style: chr14-67685153-A-C. GRCh37 (hg19) VCF-style: chr14-68151870-A-C.
Other names: c.506T>G, p.Leu169Arg (NM_001252650.2); short protein forms L239R, L169R.
Identifiers: ClinVar variation 1447180 (VCV001447180.6), dbSNP rs929622154, ClinGen allele CA262793025.

ClinVar aggregate classification (germline): Uncertain significance (1 of 4 stars; one submission).

Allele frequency attached by ClinVar (database versions not stated): gnomAD 0.00001; TOPMed 0.00002.
gnomAD v4.1: 1 of 1,614,086 alleles (0.000062%); highest among the groups gnomAD compares: African/African-American, 0.0013%; no homozygotes.

Submission:

Labcorp Genetics (formerly Invitae), Labcorp
Classification: Uncertain significance. Last evaluated: 2024-09-06. Review status: criteria provided, single submitter. Criteria: Invitae Variant Classification Sherloc (09022015). Collection method: clinical testing. Allele origin: germline.
Comment: This sequence change replaces leucine, which is neutral and non-polar, with arginine, which is basic and polar, at codon 239 of the RDH11 protein (p.Leu239Arg). This variant is not present in population databases (gnomAD no frequency). This variant has not been reported in the literature in individuals affected with RDH11-related conditions. ClinVar contains an entry for this variant (Variation ID: 1447180). An algorithm developed to predict the effect of missense changes on protein structure and function (PolyPhen-2) suggests that this variant is likely to be disruptive. In summary, the available evidence is currently insufficient to determine the role of this variant in disease. Therefore, it has been classified as a Variant of Uncertain Significance.